The following is an entry in ClinVar:

NM_000744.7(CHRNA4):c.560C>G (p.Ala187Gly)

Gene: CHRNA4 (cholinergic receptor nicotinic alpha 4 subunit; minus strand). Cytogenetic location: 20q13.33.
Variant type: single nucleotide variant.
Coding change: c.560C>G on transcript NM_000744.7 (MANE Select); coding-DNA position 560, C replaced by G.
Protein change: p.Ala187Gly; replaces alanine 187 with glycine.
Molecular consequence: missense variant. On other transcripts: non-coding transcript variant (1).
Genome position (GRCh38, 1-based): chr20:63,350,851, G>C on the plus strand (C>G on the coding strand, the complement: CHRNA4 is on the minus strand). VCF-style: chr20-63350851-G-C. GRCh37 (hg19) VCF-style: chr20-61982203-G-C.
Other names: p.A187G:GCC>GGC; c.32C>G, p.Ala11Gly (NM_001256573.2); short protein forms A187G, A11G.
Identifiers: ClinVar variation 205015 (VCV000205015.40), dbSNP rs200197645, ClinGen allele CA313547.

ClinVar aggregate classification (germline): Likely benign. Review status: criteria provided, multiple submitters, no conflicts (2 of 4 stars). 6 submissions from 6 submitters: Likely benign (6). Last evaluated 2025-12-30.

Conditions:
Familial sleep-related hypermotor epilepsy. Also called: Autosomal Dominant Sleep-Related Hypermotor (Hyperkinetic) Epilepsy. Identifiers: Orphanet 98784, MedGen C3696898, MONDO:0000030.
Inborn genetic diseases. Identifiers: MedGen C0950123, MeSH D030342.

Allele frequency attached by ClinVar (database versions not stated): gnomAD 0.00002; TOPMed 0.00002; ESP Exome Variant Server 0.00015.

Submissions (6):

Labcorp Genetics (formerly Invitae), Labcorp
Classification: Likely benign. Last evaluated: 2025-12-30. Review status: criteria provided, single submitter. Criteria: Invitae Variant Classification Sherloc (09022015). Collection method: clinical testing. Allele origin: germline.

Women's Health and Genetics/Laboratory Corporation of America, LabCorp
Classification: Likely benign. Last evaluated: 2024-03-05. Review status: criteria provided, single submitter. Criteria: LabCorp Variant Classification Summary - May 2015. Collection method: clinical testing. Allele origin: germline.
Comment: Variant summary: CHRNA4 c.560C>G (p.Ala187Gly) results in a non-conservative amino acid change located in the Neurotransmitter-gated ion-channel ligand-binding domain (IPR006202) of the encoded protein sequence. Five of five in-silico tools predict a damaging effect of the variant on protein function. The variant allele was found at a frequency of 8.8e-05 in 251244 control chromosomes. To our knowledge, no occurrence of c.560C>G in individuals affected with Epilepsy, Nocturnal Frontal Lobe, Type 1 and no experimental evidence demonstrating its impact on protein function have been reported. ClinVar contains an entry for this variant (Variation ID: 205015). Based on the evidence outlined above, the variant was classified as likely benign.

Blueprint Genetics
Classification: Likely benign. Last evaluated: 2023-10-25. Review status: criteria provided, single submitter. Criteria: ACMG Guidelines, 2015. Collection method: clinical testing. Allele origin: germline.

CeGaT Center for Human Genetics Tuebingen
Classification: Likely benign. Last evaluated: 2023-06-01. Review status: criteria provided, single submitter. Criteria: CeGaT Center For Human Genetics Tuebingen Variant Classification Criteria Version 2. Collection method: clinical testing. Allele origin: germline. Affected: yes. Observed: 1 variant allele.
Comment: CHRNA4: BP5

Ambry Genetics
Classification: Likely benign for Inborn genetic diseases. Last evaluated: 2022-08-16. Review status: criteria provided, single submitter. Criteria: Ambry Variant Classification Scheme 2023. Collection method: clinical testing. Allele origin: germline.

GeneDx
Classification: Likely benign. Last evaluated: 2018-03-21. Review status: criteria provided, single submitter. Criteria: GeneDx Variant Classification Process June 2021. Collection method: clinical testing. Allele origin: germline. Affected: yes.